The following is an entry in ClinVar:

ClinVar aggregate classification (germline): Uncertain significance. Review status: criteria provided, multiple submitters, no conflicts (2 of 4 stars). 4 submissions from 4 submitters: Uncertain significance (4). Last evaluated 2025-05-14.

Conditions:
Cerebroretinal microangiopathy with calcifications and cysts 1 (CRMCC1). Identifiers: Orphanet 313838, MedGen C4552029, MONDO:0024564, OMIM 612199.
Inborn genetic diseases. Identifiers: MedGen C0950123, MeSH D030342.
Dyskeratosis congenita. Identifiers: Orphanet 1775, MedGen C0265965, MONDO:0015780.

Allele frequency attached by ClinVar (database versions not stated): gnomAD 0.00004; TOPMed 0.00011.

Submissions (4):

Ambry Genetics
Classification: Uncertain significance for Inborn genetic diseases. Last evaluated: 2025-05-14. Review status: criteria provided, single submitter. Criteria: Ambry Variant Classification Scheme 2023. Collection method: clinical testing. Allele origin: germline.

Labcorp Genetics (formerly Invitae), Labcorp
Classification: Uncertain significance for Dyskeratosis congenita. Last evaluated: 2024-12-02. Review status: criteria provided, single submitter. Criteria: Invitae Variant Classification Sherloc (09022015). Collection method: clinical testing. Allele origin: germline.
Comment: This sequence change replaces aspartic acid, which is acidic and polar, with tyrosine, which is neutral and polar, at codon 183 of the CTC1 protein (p.Asp183Tyr). This variant is present in population databases (no rsID available, gnomAD 0.004%). This variant has not been reported in the literature in individuals affected with CTC1-related conditions. ClinVar contains an entry for this variant (Variation ID: 1405109). Invitae Evidence Modeling of protein sequence and biophysical properties (such as structural, functional, and spatial information, amino acid conservation, physicochemical variation, residue mobility, and thermodynamic stability) has been performed for this missense variant. However, the output from this modeling did not meet the statistical confidence thresholds required to predict the impact of this variant on CTC1 protein function. In summary, the available evidence is currently insufficient to determine the role of this variant in disease. Therefore, it has been classified as a Variant of Uncertain Significance.

Fulgent Genetics
Classification: Uncertain significance for Cerebroretinal microangiopathy with calcifications and cysts 1. Last evaluated: 2024-06-06. Review status: criteria provided, single submitter. Criteria: ACMG Guidelines, 2015. Collection method: clinical testing. Allele origin: germline.

CeGaT Center for Human Genetics Tuebingen
Classification: Uncertain significance. Last evaluated: 2024-01-01. Review status: criteria provided, single submitter. Criteria: CeGaT Center For Human Genetics Tuebingen Variant Classification Criteria Version 2. Collection method: clinical testing. Allele origin: germline. Affected: yes. Observed: 1 variant allele.
Comment: CTC1: PM2, BP4

NM_025099.6(CTC1):c.547G>T (p.Asp183Tyr)

Gene: CTC1 (CST telomere replication complex component 1; minus strand). Cytogenetic location: 17p13.1.
Variant type: single nucleotide variant.
Coding change: c.547G>T on transcript NM_025099.6 (MANE Select); coding-DNA position 547, G replaced by T.
Protein change: p.Asp183Tyr; replaces aspartic acid 183 with tyrosine.
Molecular consequence: missense variant. On other transcripts: non-coding transcript variant (1).
Genome position (GRCh38, 1-based): chr17:8,238,131, C>A on the plus strand (G>T on the coding strand, the complement: CTC1 is on the minus strand). VCF-style: chr17-8238131-C-A. GRCh37 (hg19) VCF-style: chr17-8141449-C-A.
Other names: c.547G>T (NM_025099.5); short protein forms D183Y.
Identifiers: ClinVar variation 1405109 (VCV001405109.29), dbSNP rs751596403, ClinGen allele CA397992665.